The following is an entry in ClinVar:

NM_032638.5(GATA2):c.-45-842T>C

Genes: GATA2 (GATA binding protein 2; minus strand), LOC117038771 (CRISPRi-FlowFISH-validated H1-10 regulatory element 2; plus strand). Cytogenetic location: 3q21.3.
Variant type: single nucleotide variant.
Coding change: c.-45-842T>C on transcript NM_032638.5 (MANE Select); 842 bases into the intron before 45 bases upstream of the start codon, T replaced by C.
Molecular consequence: intron variant. On other transcripts: 5 prime UTR variant (2).
Genome position (GRCh38, 1-based): chr3:128,487,918, A>G on the plus strand (T>C on the coding strand, the complement: GATA2 is on the minus strand). VCF-style: chr3-128487918-A-G. GRCh37 (hg19) VCF-style: chr3-128206761-A-G.
Other names: c.-253T>C (NM_001145661.2, NM_001145662.1).
Identifiers: ClinVar variation 4874183 (VCV004874183.2).
Genomic context (GRCh38, chr3:128,487,918, plus strand): 5'-CTCGGGCCCTCCCGGCTCCGGCCCCTCGGCATCCTCCGGCCGCCCTGGCGCCAGCTGCCG[A>G]CTCCTGCACAGACATGAAGCGGGGGCCGCGCACGCCTAAGAAGCCCAAGCCAGCCAATCA-3'

ClinVar aggregate classification (germline): Likely benign (1 of 4 stars; one submission).

Submission:

CeGaT Center for Human Genetics Tuebingen
Classification: Likely benign. Last evaluated: 2026-06-01. Review status: criteria provided, single submitter. Criteria: CeGaT Center For Human Genetics Tuebingen Variant Classification Criteria Version 2. Collection method: clinical testing. Allele origin: germline. Affected: yes. Observed: 1 variant allele.
Comment: GATA2: PM2:Supporting, BP4, BP7